The following is an entry in ClinVar:

NM_003185.4(TAF4):c.1519C>T (p.Gln507Ter)

Gene: TAF4 (TATA-box binding protein associated factor 4; minus strand). Cytogenetic location: 20q13.33.
Variant type: single nucleotide variant.
Coding change: c.1519C>T on transcript NM_003185.4 (MANE Select); coding-DNA position 1519, C replaced by T.
Protein change: p.Gln507Ter; replaces glutamine 507 with a stop codon.
Molecular consequence: nonsense.
Genome position (GRCh38, 1-based): chr20:62,014,549, G>A on the plus strand (C>T on the coding strand, the complement: TAF4 is on the minus strand). VCF-style: chr20-62014549-G-A. GRCh37 (hg19) VCF-style: chr20-60589605-G-A.
Other names: short protein forms Q507*.
Identifiers: ClinVar variation 3173503 (VCV003173503.1), dbSNP rs2123150933, ClinGen allele CA409526583.

ClinVar aggregate classification (germline): Pathogenic (1 of 4 stars; one submission).

Conditions:
Inborn genetic diseases. Identifiers: MedGen C0950123, MeSH D030342.

Submission:

Ambry Genetics
Classification: Pathogenic for Inborn genetic diseases. Last evaluated: 2024-02-08. Review status: criteria provided, single submitter. Criteria: Ambry Variant Classification Scheme 2023. Collection method: clinical testing. Allele origin: germline.
Comment: The c.1519C>T (p.Q507*) alteration, located in exon 2 (coding exon 2) of the TAF4 gene, consists of a C to T substitution at nucleotide position 1519. This changes the amino acid from a glutamine (Q) to a stop codon at amino acid position 507. This alteration is expected to result in loss of function by premature protein truncation or nonsense-mediated mRNA decay. This variant was not reported in population-based cohorts in the Genome Aggregation Database (gnomAD). Based on the available evidence, this alteration is classified as pathogenic.